The following is an entry in ClinVar:

ClinVar aggregate classification (germline): Uncertain significance (1 of 4 stars; one submission).

Conditions:
Hereditary cancer-predisposing syndrome. Also called: Tumor predisposition; Neoplastic Syndromes, Hereditary; Hereditary neoplastic syndrome; Hereditary Cancer Syndrome. Identifiers: Orphanet 140162, MedGen C0027672, MeSH D009386, MONDO:0015356.

Submission:

Ambry Genetics
Classification: Uncertain significance for Hereditary cancer-predisposing syndrome. Last evaluated: 2025-08-27. Review status: criteria provided, single submitter. Criteria: Ambry Variant Classification Scheme 2023. Collection method: clinical testing. Allele origin: germline.
Comment: The p.A40V variant (also known as c.119C>T), located in coding exon 2 of the MUTYH gene, results from a C to T substitution at nucleotide position 119. The alanine at codon 40 is replaced by valine, an amino acid with similar properties. This amino acid position is conserved. In addition, this alteration is predicted to be tolerated by in silico analysis. Based on the available evidence, the clinical significance of this variant remains unclear.

NM_001048174.2(MUTYH):c.77C>T (p.Ala26Val)

Gene: MUTYH (mutY DNA glycosylase; minus strand). Cytogenetic location: 1p34.1.
Variant type: single nucleotide variant.
Coding change: c.77C>T on transcript NM_001048174.2 (MANE Select); coding-DNA position 77, C replaced by T.
Protein change: p.Ala26Val; replaces alanine 26 with valine.
Molecular consequence: missense variant. On other transcripts: 5 prime UTR variant (7), non-coding transcript variant (7).
Genome position (GRCh38, 1-based): chr1:45,334,429, G>A on the plus strand (C>T on the coding strand, the complement: MUTYH is on the minus strand). VCF-style: chr1-45334429-G-A. GRCh37 (hg19) VCF-style: chr1-45800101-G-A.
Other names: c.119C>T, p.Ala40Val (NM_001128425.2, NM_001293190.2, NM_001407069.1 and 2 more transcripts); c.77C>T, p.Ala26Val (NM_001293191.2, NM_001293195.2, NM_001407070.1 and 15 more transcripts); c.-136C>T (NM_001293192.2, NM_001293196.2, NM_001407091.1); c.-195C>T (NM_001350650.2); c.-131C>T (NM_001350651.2, NM_001407082.1); c.-80C>T (NM_001407075.1); c.95C>T, p.Ala32Val (NM_001407087.1); short protein forms A26V, A40V, A32V.
Identifiers: ClinVar variation 4112873 (VCV004112873.1).
Genomic context (GRCh38, chr1:45,334,429, plus strand): 5'-GGGCCACAACCTAGTTCCTTACCATCACAGGCAGAAGGCTTGGCCTGACTGTTGTTCTTA[G>A]CATGCTTCTGCCTCCCTTCCTGGCTGGCTGCCTGCTTCCTGTGACCACTTCCCACGGCTG-3'
Protein context (NP_001041639.1, residues 16-36): AASQEGRQKH[Ala26Val]KNNSQAKPSA